The following is an entry in ClinVar:

NM_153704.6(TMEM67):c.2547A>G (p.Thr849=)

Gene: TMEM67 (transmembrane protein 67; plus strand). Cytogenetic location: 8q22.1.
Variant type: single nucleotide variant.
Coding change: c.2547A>G on transcript NM_153704.6 (MANE Select); coding-DNA position 2547, A replaced by G.
Protein change: p.Thr849=; no amino-acid change (threonine 849 retained).
Molecular consequence: synonymous variant. On other transcripts: non-coding transcript variant (1).
Genome position (GRCh38, 1-based): chr8:93,808,947, A>G. VCF-style: chr8-93808947-A-G. GRCh37 (hg19) VCF-style: chr8-94821175-A-G.
Other names: c.2304A>G, p.Thr768= (NM_001142301.1).
Identifiers: ClinVar variation 3388704 (VCV003388704.14).

ClinVar aggregate classification (germline): Likely benign (1 of 4 stars; one submission).

gnomAD v4.1: 2 of 1,595,794 alleles (0.00013%); highest among the groups gnomAD compares: Non-Finnish European, 0.00017%; no homozygotes.

Submission:

CeGaT Center for Human Genetics Tuebingen
Classification: Likely benign. Last evaluated: 2024-10-01. Review status: criteria provided, single submitter. Criteria: CeGaT Center For Human Genetics Tuebingen Variant Classification Criteria Version 2. Collection method: clinical testing. Allele origin: germline. Affected: yes. Observed: 1 variant allele.
Comment: TMEM67: BP4, BP7